The following is an entry in ClinVar:

ClinVar aggregate classification (germline): Likely benign. Review status: criteria provided, multiple submitters, no conflicts (2 of 4 stars). 3 submissions from 3 submitters: Likely benign (3). Last evaluated 2025-06-12.

Conditions:
Early-infantile DEE. Also called: Ohtahara syndrome; Early infantile epileptic encephalopathy with suppression bursts; Early infantile epileptic encephalopathy. Identifiers: Orphanet 1934, MedGen C0393706, MONDO:0800491.
Inborn genetic diseases. Identifiers: MedGen C0950123, MeSH D030342.

Allele frequency attached by ClinVar (database versions not stated): ESP Exome Variant Server 0.00015; ExAC 0.00002; gnomAD exomes 0.00002; gnomAD 0.00013 and 0.00014; TOPMed 0.00014.
gnomAD v4.1: 32 of 1,613,952 alleles (0.002%); highest among the groups gnomAD compares: African/African-American, 0.036%; no homozygotes.

Submissions (3):

Labcorp Genetics (formerly Invitae), Labcorp
Classification: Likely benign for Early-infantile DEE. Last evaluated: 2025-06-12. Review status: criteria provided, single submitter. Criteria: Invitae Variant Classification Sherloc (09022015). Collection method: clinical testing. Allele origin: germline.

Ambry Genetics
Classification: Likely benign for Inborn genetic diseases. Last evaluated: 2018-08-17. Review status: criteria provided, single submitter. Criteria: Ambry Variant Classification Scheme 2023. Collection method: clinical testing. Allele origin: germline.

GeneDx
Classification: Likely benign. Last evaluated: 2016-05-10. Review status: criteria provided, single submitter. Criteria: GeneDx Variant Classification (06012015). Collection method: clinical testing. Allele origin: germline. Affected: yes.
Comment: This variant is considered likely benign or benign based on one or more of the following criteria: it is a conservative change, it occurs at a poorly conserved position in the protein, it is predicted to be benign by multiple in silico algorithms, and/or has population frequency not consistent with disease.

NM_001130438.3(SPTAN1):c.1086-4C>G

Gene: SPTAN1 (spectrin alpha, non-erythrocytic 1; plus strand). Cytogenetic location: 9q34.11.
Variant type: single nucleotide variant.
Coding change: c.1086-4C>G on transcript NM_001130438.3 (MANE Select); 4 bases into the intron before coding-DNA position 1086, C replaced by G.
Molecular consequence: intron variant.
Genome position (GRCh38, 1-based): chr9:128,578,106, C>G. VCF-style: chr9-128578106-C-G. GRCh37 (hg19) VCF-style: chr9-131340385-C-G.
Other names: c.1086-4C>G (NM_001363759.2, NM_003127.4, NM_001363765.2 and 1 more transcripts).
Identifiers: ClinVar variation 378649 (VCV000378649.14), dbSNP rs367718622, ClinGen allele CA5264322.
Genomic context (GRCh38, chr9:128,578,106, plus strand): 5'-GGAGGCCATTTTCCACCCTGGAACCTCCGCTGGAAACATAATGTCTTCCTTTGGTTTTCC[C>G]TAGGCTTCAACGCTTCCTTGCTGACTTCCGTGACCTCACCAGCTGGGTGACTGAGATGAA-3'